The following is an entry in ClinVar:

ClinVar aggregate classification (germline): Uncertain significance (1 of 4 stars; one submission).

Submission:

Ambry Genetics
Classification: Uncertain significance. Last evaluated: 2023-05-26. Review status: criteria provided, single submitter. Criteria: Ambry Variant Classification Scheme 2023. Collection method: clinical testing. Allele origin: germline.
Comment: The p.D651Y variant (also known as c.1951G>T), located in coding exon 17 of the RAD54L gene, results from a G to T substitution at nucleotide position 1951. The aspartic acid at codon 651 is replaced by tyrosine, an amino acid with highly dissimilar properties. This amino acid position is conserved. In addition, the in silico prediction for this alteration is inconclusive. Since supporting evidence is limited at this time, the clinical significance of this alteration remains unclear.

NM_003579.4(RAD54L):c.1951G>T (p.Asp651Tyr)

Genes: LRRC41 (leucine rich repeat containing 41; minus strand), RAD54L (RAD54 like; plus strand). Cytogenetic location: 1p34.1.
Variant type: single nucleotide variant.
Coding change: c.1951G>T on transcript NM_003579.4 (MANE Select); coding-DNA position 1951, G replaced by T.
Protein change: p.Asp651Tyr; replaces aspartic acid 651 with tyrosine.
Molecular consequence: missense variant. On other transcripts: 3 prime UTR variant (1).
Genome position (GRCh38, 1-based): chr1:46,277,898, G>T. VCF-style: chr1-46277898-G-T. GRCh37 (hg19) VCF-style: chr1-46743570-G-T.
Other names: c.*967C>A (NM_006369.5); c.1951G>T, p.Asp651Tyr (NM_001142548.2); c.1411G>T, p.Asp471Tyr (NM_001370766.1); short protein forms D651Y, D471Y.
Identifiers: ClinVar variation 2562807 (VCV002562807.2), dbSNP rs2525729737, ClinGen allele CA340189782.